The following is an entry in ClinVar:

NM_144631.6(ZNF513):c.492C>T (p.His164=)

Gene: ZNF513 (zinc finger protein 513; minus strand). Cytogenetic location: 2p23.3.
Variant type: single nucleotide variant.
Coding change: c.492C>T on transcript NM_144631.6 (MANE Select); coding-DNA position 492, C replaced by T.
Protein change: p.His164=; no amino-acid change (histidine 164 retained).
Molecular consequence: synonymous variant.
Genome position (GRCh38, 1-based): chr2:27,378,774, G>A on the plus strand (C>T on the coding strand, the complement: ZNF513 is on the minus strand). VCF-style: chr2-27378774-G-A. GRCh37 (hg19) VCF-style: chr2-27601641-G-A.
Other names: c.306C>T, p.His102= (NM_001201459.2).
Identifiers: ClinVar variation 3030073 (VCV003030073.2), dbSNP rs2465625005, ClinGen allele CA425608149.

ClinVar aggregate classification (germline): Likely benign (0 of 4 stars; one submission).

Conditions:
ZNF513-related disorder. Also called: ZNF513-related condition.

Allele frequency attached by ClinVar (database versions not stated): gnomAD exomes below 0.00001.
gnomAD v4.1: 2 of 1,614,024 alleles (0.00012%); highest among the groups gnomAD compares: African/African-American, 0.0027%; no homozygotes.

Submission:

PreventionGenetics, part of Exact Sciences
Classification: Likely benign for ZNF513-related condition. Last evaluated: 2021-03-10. Review status: no assertion criteria provided. Collection method: clinical testing. Allele origin: germline.
Comment: This variant is classified as likely benign based on ACMG/AMP sequence variant interpretation guidelines (Richards et al. 2015 PMID: 25741868, with internal and published modifications).